The following is an entry in ClinVar:

NM_201631.4(TGM5):c.817G>A (p.Val273Met)

Gene: TGM5 (transglutaminase 5; minus strand). Cytogenetic location: 15q15.2.
Variant type: single nucleotide variant.
Coding change: c.817G>A on transcript NM_201631.4 (MANE Select); coding-DNA position 817, G replaced by A.
Protein change: p.Val273Met; replaces valine 273 with methionine.
Molecular consequence: missense variant.
Genome position (GRCh38, 1-based): chr15:43,252,804, C>T on the plus strand (G>A on the coding strand, the complement: TGM5 is on the minus strand). VCF-style: chr15-43252804-C-T. GRCh37 (hg19) VCF-style: chr15-43545002-C-T.
Other names: c.571G>A, p.Val191Met (NM_004245.4); short protein forms V191M, V273M.
Identifiers: ClinVar variation 3353197 (VCV003353197.2).

ClinVar aggregate classification (germline): Pathogenic. Review status: criteria provided, single submitter (1 of 4 stars). 2 submissions from 2 submitters: Pathogenic (1). 1 of the submissions does not count toward it. Last evaluated 2024-07-25.

Conditions:
TGM5-related disorder. Also called: TGM5-related condition.

gnomAD v4.1: 200 of 1,613,934 alleles (0.012%); highest among the groups gnomAD compares: Admixed American, 0.027%; no homozygotes.

Submissions (2):

Blueprint Genetics
Classification: Pathogenic for TGM5-related disorders. Last evaluated: 2024-07-25. Review status: criteria provided, single submitter. Criteria: ACMG Guidelines, 2015. Collection method: clinical testing. Allele origin: germline. Affected: yes. Observed: 5 variant alleles.

PreventionGenetics, part of Exact Sciences
Classification: Uncertain significance for TGM5-related condition. Last evaluated: 2024-06-15. Review status: no assertion criteria provided. Collection method: clinical testing. Allele origin: germline. Not counted in ClinVar's aggregate classification.
Comment: The TGM5 c.817G>A variant is predicted to result in the amino acid substitution p.Val273Met. This variant has been reported in the homozygous or compound heterozygous state in three individual with acral peeling skin syndrome (Szczecinska et al. 2014. PubMed ID: 24628291; Table S1, Vahidnezhad et al. 2017. PubMed ID: 28830826). This variant is reported in 0.014% of alleles in individuals of European (Non-Finnish) descent in gnomAD. Although we suspect that this variant may be pathogenic, at this time, the clinical significance of this variant is uncertain due to the absence of conclusive functional and genetic evidence.